The following is an entry in ClinVar:

NM_032608.7(MYO18B):c.4507C>T (p.Gln1503Ter)

Genes: MYO18B (myosin XVIIIB; plus strand), MYO18B-AS1 (MYO18B antisense RNA 1; minus strand). Cytogenetic location: 22q12.1.
Variant type: single nucleotide variant.
Coding change: c.4507C>T on transcript NM_032608.7 (MANE Select); coding-DNA position 4507, C replaced by T.
Protein change: p.Gln1503Ter; replaces glutamine 1503 with a stop codon.
Molecular consequence: nonsense.
Genome position (GRCh38, 1-based): chr22:25,891,376, C>T. VCF-style: chr22-25891376-C-T. GRCh37 (hg19) VCF-style: chr22-26287343-C-T.
Other names: c.4510C>T, p.Gln1504Ter (NM_001318245.2); short protein forms Q1503*, Q1504*.
Identifiers: ClinVar variation 2095277 (VCV002095277.4), dbSNP rs2517792555, ClinGen allele CA411009708.

ClinVar aggregate classification (germline): Pathogenic (1 of 4 stars; one submission).

Submission:

Labcorp Genetics (formerly Invitae), Labcorp
Classification: Pathogenic. Last evaluated: 2024-02-24. Review status: criteria provided, single submitter. Criteria: Invitae Variant Classification Sherloc (09022015). Collection method: clinical testing. Allele origin: germline.
Comment: This sequence change creates a premature translational stop signal (p.Gln1503*) in the MYO18B gene. It is expected to result in an absent or disrupted protein product. Loss-of-function variants in MYO18B are known to be pathogenic (PMID: 25748484, 32184166, 32637634). This variant is not present in population databases (gnomAD no frequency). This variant has not been reported in the literature in individuals affected with MYO18B-related conditions. ClinVar contains an entry for this variant (Variation ID: 2095277). Algorithms developed to predict the effect of sequence changes on RNA splicing suggest that this variant may disrupt the consensus splice site. For these reasons, this variant has been classified as Pathogenic.

Literature cited by the submitters: PubMed 25748484; PubMed 32184166; PubMed 32637634.